The following is an entry in ClinVar:

NM_000231.3(SGCG):c.449T>C (p.Leu150Pro)

Gene: SGCG (sarcoglycan gamma; plus strand). Cytogenetic location: 13q12.12.
Variant type: single nucleotide variant.
Coding change: c.449T>C on transcript NM_000231.3 (MANE Select); coding-DNA position 449, T replaced by C.
Protein change: p.Leu150Pro; replaces leucine 150 with proline.
Molecular consequence: missense variant.
Genome position (GRCh38, 1-based): chr13:23,279,422, T>C. VCF-style: chr13-23279422-T-C. GRCh37 (hg19) VCF-style: chr13-23853561-T-C.
Other names: c.503T>C, p.Leu168Pro (NM_001378244.1); c.449T>C, p.Leu150Pro (NM_001378245.1, NM_001378246.1); short protein forms L150P, L168P.
Identifiers: ClinVar variation 3367056 (VCV003367056.1).

ClinVar aggregate classification (germline): Uncertain significance (1 of 4 stars; one submission).

Conditions:
Autosomal recessive limb-girdle muscular dystrophy type 2C (LGMDR5). Also called: MUSCULAR DYSTROPHY, DUCHENNE-LIKE; MUSCULAR DYSTROPHY, LIMB-GIRDLE, AUTOSOMAL RECESSIVE 5. Identifiers: Orphanet 353, MedGen C0410173, MONDO:0009677, OMIM 253700. Disease mechanism: Affects gamma-sarcoglycan and also disrupts the integrity of the entire sarcoglycan complex..

Submission:

Neuberg Centre For Genomic Medicine, NCGM
Classification: Uncertain significance for Autosomal recessive limb-girdle muscular dystrophy type 2C. Last evaluated: 2023-05-20. Review status: criteria provided, single submitter. Criteria: ACMG Guidelines, 2015. Collection method: clinical testing. Allele origin: germline. Inheritance: Autosomal recessive inheritance. Affected: yes.
Comment: The observed missense c.449T>C(p.Leu150Pro) variant in SGCG gene has not been reported previously as a pathogenic variant nor as a benign variant, to our knowledge. This variant is absent in gnomAD Exomes. The amino acid Leu at position 150 is changed to a Pro changing protein sequence and it might alter its composition and physico-chemical properties. The amino acid change p.Leu150Pro in SGCG is predicted as conserved by GERP++ and PhyloP across 100 vertebrates. Multiple lines of computational evidence (Polyphen - Damaging, SIFT - Damaging, and MutationTaster - Disease causing) predict a damaging effect on protein structure and function for this variant. For these reasons, this variant has been classified as Uncertain Significance.